The following is an entry in ClinVar:

NM_000136.3(FANCC):c.1364C>A (p.Ala455Glu)

Genes: AOPEP (aminopeptidase O (putative); plus strand), FANCC (FA complementation group C; minus strand). Cytogenetic location: 9q22.32.
Variant type: single nucleotide variant.
Coding change: c.1364C>A on transcript NM_000136.3 (MANE Select); coding-DNA position 1364, C replaced by A.
Protein change: p.Ala455Glu; replaces alanine 455 with glutamic acid.
Molecular consequence: missense variant.
Genome position (GRCh38, 1-based): chr9:95,107,235, G>T on the plus strand (C>A on the coding strand, the complement: FANCC is on the minus strand). VCF-style: chr9-95107235-G-T. GRCh37 (hg19) VCF-style: chr9-97869517-G-T.
Other names: c.1364C>A, p.Ala455Glu (NM_001243743.2); short protein forms A455E.
Identifiers: ClinVar variation 4870963 (VCV004870963.1).

ClinVar aggregate classification (germline): Uncertain significance (1 of 4 stars; one submission).

Conditions:
Hereditary cancer-predisposing syndrome. Also called: Neoplastic Syndromes, Hereditary; Hereditary Cancer Syndrome; Hereditary neoplastic syndrome; Tumor predisposition. Identifiers: Orphanet 140162, MedGen C0027672, MeSH D009386, MONDO:0015356.

Submission:

Ambry Genetics
Classification: Uncertain significance for Hereditary cancer-predisposing syndrome. Last evaluated: 2026-06-01. Review status: criteria provided, single submitter. Criteria: Ambry Variant Classification Scheme 2023. Collection method: clinical testing. Allele origin: germline.
Comment: The p.A455E variant (also known as c.1364C>A), located in coding exon 13 of the FANCC gene, results from a C to A substitution at nucleotide position 1364. The alanine at codon 455 is replaced by glutamic acid, an amino acid with dissimilar properties. This amino acid position is conserved. In addition, this alteration is predicted to be tolerated by in silico analysis. Based on the available evidence, the clinical significance of this variant remains unclear.